The following is an entry in ClinVar:

NM_006231.4(POLE):c.3478C>A (p.Arg1160Ser)

Gene: POLE (DNA polymerase epsilon, catalytic subunit; minus strand). Cytogenetic location: 12q24.33.
Variant type: single nucleotide variant.
Coding change: c.3478C>A on transcript NM_006231.4 (MANE Select); coding-DNA position 3478, C replaced by A.
Protein change: p.Arg1160Ser; replaces arginine 1160 with serine.
Molecular consequence: missense variant.
Genome position (GRCh38, 1-based): chr12:132,657,240, G>T on the plus strand (C>A on the coding strand, the complement: POLE is on the minus strand). VCF-style: chr12-132657240-G-T. GRCh37 (hg19) VCF-style: chr12-133233826-G-T.
Other names: short protein forms R1160S.
Identifiers: ClinVar variation 1720641 (VCV001720641.8), dbSNP rs777401444, ClinGen allele CA387388766.
Genomic context (GRCh38, chr12:132,657,240, plus strand): 5'-GCTTGTAGACATCATTCTTCTCCAGCAGTTTTTTGTGCAGCCAGTCGGGGTGTTTGACAC[G>T]TGGCACTGGGTTCTTTACCTGTGTGAGGCCAACACCCATCAGAGAGAGACCCTTGTCTAA-3'
Protein context (NP_006222.2, residues 1150-1170): ALQQVKNPVP[Arg1160Ser]VKHPDWLHKK

ClinVar aggregate classification (germline): Uncertain significance. Review status: criteria provided, multiple submitters, no conflicts (2 of 4 stars). 2 submissions from 2 submitters: Uncertain significance (2). Last evaluated 2022-09-29.

Conditions:
Hereditary cancer-predisposing syndrome. Also called: Hereditary neoplastic syndrome; Neoplastic Syndromes, Hereditary; Hereditary Cancer Syndrome; Tumor predisposition. Identifiers: Orphanet 140162, MedGen C0027672, MeSH D009386, MONDO:0015356.

Submissions (2):

Labcorp Genetics (formerly Invitae), Labcorp
Classification: Uncertain significance. Last evaluated: 2022-09-29. Review status: criteria provided, single submitter. Criteria: Invitae Variant Classification Sherloc (09022015). Collection method: clinical testing. Allele origin: germline.
Comment: In summary, the available evidence is currently insufficient to determine the role of this variant in disease. Therefore, it has been classified as a Variant of Uncertain Significance. Advanced modeling of protein sequence and biophysical properties (such as structural, functional, and spatial information, amino acid conservation, physicochemical variation, residue mobility, and thermodynamic stability) performed at Invitae indicates that this missense variant is expected to disrupt POLE protein function. This variant has not been reported in the literature in individuals affected with POLE-related conditions. This variant is not present in population databases (gnomAD no frequency). This sequence change replaces arginine, which is basic and polar, with serine, which is neutral and polar, at codon 1160 of the POLE protein (p.Arg1160Ser).

Ambry Genetics
Classification: Uncertain significance for Hereditary cancer-predisposing syndrome. Last evaluated: 2021-10-29. Review status: criteria provided, single submitter. Criteria: Ambry Variant Classification Scheme 2023. Collection method: clinical testing. Allele origin: germline.
Comment: The p.R1160S variant (also known as c.3478C>A), located in coding exon 29 of the POLE gene, results from a C to A substitution at nucleotide position 3478. The arginine at codon 1160 is replaced by serine, an amino acid with dissimilar properties. This amino acid position is conserved. In addition, the in silico prediction for this alteration is inconclusive. Since supporting evidence is limited at this time, the clinical significance of this alteration remains unclear.